The following is an entry in ClinVar:

NM_001195.5(BFSP1):c.305T>C (p.Leu102Pro)

Gene: BFSP1 (beaded filament structural protein 1; minus strand). Cytogenetic location: 20p12.1.
Variant type: single nucleotide variant.
Coding change: c.305T>C on transcript NM_001195.5 (MANE Select); coding-DNA position 305, T replaced by C.
Protein change: p.Leu102Pro; replaces leucine 102 with proline.
Molecular consequence: missense variant. On other transcripts: intron variant (4).
Genome position (GRCh38, 1-based): chr20:17,531,025, A>G on the plus strand (T>C on the coding strand, the complement: BFSP1 is on the minus strand). VCF-style: chr20-17531025-A-G. GRCh37 (hg19) VCF-style: chr20-17511670-A-G.
Other names: c.305T>C, p.Leu102Pro (NM_001424338.1); c.-40-6117T>C (NM_001278608.2, NM_001278606.2); c.45-6117T>C (NM_001278607.2); c.3-6117T>C (NM_001161705.2); short protein forms L102P.
Identifiers: ClinVar variation 5038155 (VCV005038155.1).

ClinVar aggregate classification (germline): Uncertain significance (1 of 4 stars; one submission).

Conditions:
Cataract 33. Also called: CATARACT 33, CORTICAL. Identifiers: Orphanet 91492, MedGen C3808107, MONDO:0012665, OMIM 611391.

gnomAD v4.1: 1 of 1,427,110 alleles (0.00007%); highest among the groups gnomAD compares: Non-Finnish European, 0.000091%; no homozygotes.

Submission:

MVZ Medizinische Genetik Mainz
Classification: Uncertain significance for Cataract 33. Last evaluated: 2026-09-24. Review status: criteria provided, single submitter. Criteria: UK Practice Guidelines For Variant Classification V4 01 2020. Collection method: clinical testing. Allele origin: germline. Inheritance: Autosomal recessive inheritance. Affected: yes. Observed: 1 variant allele.
Comment: ACMG Criteria: PP3_MOD,PM2_SUP; Compound Heterozygote